The following is an entry in ClinVar:

NM_000271.5(NPC1):c.3540del (p.Gly1181fs)

Gene: NPC1 (NPC intracellular cholesterol transporter 1; minus strand). Cytogenetic location: 18q11.2.
Variant type: Deletion.
Coding change: c.3540del on transcript NM_000271.5 (MANE Select); coding-DNA position 3540, one base deleted (A; older notation c.3540delA).
Protein change: p.Gly1181fs; shifts the reading frame from glycine 1181.
Molecular consequence: frameshift variant.
Genome position (GRCh38, 1-based): chr18:23,534,497, T deleted on the plus strand (A on the coding strand, the reverse complement: NPC1 is on the minus strand); the first of 3 consecutive T bases (chr18:23,534,497-23,534,499); deleting any one gives the same sequence. VCF-style (leftmost placement, unchanged base first): chr18-23534496-CT-C. GRCh37 (hg19) VCF-style: chr18-21114460-CT-C.
Other names: short protein forms G1181fs.
Identifiers: ClinVar variation 2854639 (VCV002854639.3), dbSNP rs2511183757, ClinGen allele CA2739268566.

ClinVar aggregate classification (germline): Pathogenic (1 of 4 stars; one submission).

Conditions:
Niemann-Pick disease, type C1. Also called: NEUROVISCERAL STORAGE DISEASE WITH VERTICAL SUPRANUCLEAR OPHTHALMOPLEGIA; NIEMANN-PICK DISEASE WITH CHOLESTEROL ESTERIFICATION BLOCK; NIEMANN-PICK DISEASE WITHOUT SPHINGOMYELINASE DEFICIENCY; NIEMANN-PICK DISEASE, CHRONIC NEURONOPATHIC FORM; NIEMANN-PICK DISEASE, VARIANT TYPE C1. Identifiers: Orphanet 646, MedGen C3179455, MONDO:0009757, OMIM 257220.

Submission:

Labcorp Genetics (formerly Invitae), Labcorp
Classification: Pathogenic for Niemann-Pick disease, type C1. Last evaluated: 2023-04-10. Review status: criteria provided, single submitter. Criteria: Invitae Variant Classification Sherloc (09022015). Collection method: clinical testing. Allele origin: germline.
Comment: This sequence change creates a premature translational stop signal (p.Gly1181Alafs*61) in the NPC1 gene. While this is not anticipated to result in nonsense mediated decay, it is expected to disrupt the last 98 amino acid(s) of the NPC1 protein. This variant is not present in population databases (gnomAD no frequency). This variant has not been reported in the literature in individuals affected with NPC1-related conditions. This variant disrupts a region of the NPC1 protein in which other variant(s) (p.Leu1248Valfs*3) have been determined to be pathogenic (PMID: 10521290, 19744920). This suggests that this is a clinically significant region of the protein, and that variants that disrupt it are likely to be disease-causing. For these reasons, this variant has been classified as Pathogenic.

Literature cited by the submitters: PubMed 10521290; PubMed 19744920.